The following is an entry in ClinVar:

NM_001160148.2(DDHD1):c.2341A>G (p.Met781Val)

Gene: DDHD1 (DDHD domain containing 1; minus strand). Cytogenetic location: 14q22.1.
Variant type: single nucleotide variant.
Coding change: c.2341A>G on transcript NM_001160148.2 (MANE Select); coding-DNA position 2341, A replaced by G.
Protein change: p.Met781Val; replaces methionine 781 with valine.
Molecular consequence: missense variant.
Genome position (GRCh38, 1-based): chr14:53,054,534, T>C on the plus strand (A>G on the coding strand, the complement: DDHD1 is on the minus strand). VCF-style: chr14-53054534-T-C. GRCh37 (hg19) VCF-style: chr14-53521252-T-C.
Other names: c.2362A>G, p.Met788Val (NM_001160147.2); c.2341A>G, p.Met781Val (NM_030637.3); short protein forms M781V, M788V.
Identifiers: ClinVar variation 2153486 (VCV002153486.4), dbSNP rs2503045984, ClinGen allele CA389769792.

ClinVar aggregate classification (germline): Uncertain significance (1 of 4 stars; one submission).

Conditions:
Hereditary spastic paraplegia 28. Also called: Spastic paraplegia 28, autosomal recessive. Identifiers: Orphanet 101008, MedGen C1836295, MONDO:0012256, OMIM 609340.

Allele frequency attached by ClinVar (database versions not stated): gnomAD exomes below 0.00001.
gnomAD v4.1: 2 of 1,614,130 alleles (0.00012%); highest among the groups gnomAD compares: Middle Eastern, 0.016%; no homozygotes.

Submission:

Labcorp Genetics (formerly Invitae), Labcorp
Classification: Uncertain significance for Hereditary spastic paraplegia 28. Last evaluated: 2025-06-16. Review status: criteria provided, single submitter. Criteria: Invitae Variant Classification Sherloc (09022015). Collection method: clinical testing. Allele origin: germline.
Comment: This sequence change replaces methionine, which is neutral and non-polar, with valine, which is neutral and non-polar, at codon 788 of the DDHD1 protein (p.Met788Val). This variant is not present in population databases (gnomAD no frequency). This variant has not been reported in the literature in individuals affected with DDHD1-related conditions. ClinVar contains an entry for this variant (Variation ID: 2153486). An algorithm developed to predict the effect of missense changes on protein structure and function outputs the following: PolyPhen-2: "Benign". The valine amino acid residue is found in multiple mammalian species, which suggests that this missense change does not adversely affect protein function. In summary, the available evidence is currently insufficient to determine the role of this variant in disease. Therefore, it has been classified as a Variant of Uncertain Significance.